The following is an entry in ClinVar:

NM_000053.4(ATP7B):c.3286G>A (p.Ala1096Thr)

Gene: ATP7B (ATPase copper transporting beta; minus strand). Cytogenetic location: 13q14.3.
Variant type: single nucleotide variant.
Coding change: c.3286G>A on transcript NM_000053.4 (MANE Select); coding-DNA position 3286, G replaced by A.
Protein change: p.Ala1096Thr; replaces alanine 1096 with threonine.
Molecular consequence: missense variant.
Genome position (GRCh38, 1-based): chr13:51,942,512, C>T on the plus strand (G>A on the coding strand, the complement: ATP7B is on the minus strand). VCF-style: chr13-51942512-C-T. GRCh37 (hg19) VCF-style: chr13-52516648-C-T.
Other names: c.2665G>A, p.Ala889Thr (NM_001005918.3); c.2953G>A, p.Ala985Thr (NM_001243182.2); c.3052G>A, p.Ala1018Thr (NM_001330578.2, NM_001406538.1, NM_001406527.1 and 1 more transcripts); c.3034G>A, p.Ala1012Thr (NM_001330579.2, NM_001406531.1, NM_001406532.1); c.3286G>A, p.Ala1096Thr (NM_001406511.1, NM_001406512.1, NM_001406526.1); c.3280G>A, p.Ala1094Thr (NM_001406513.1); c.3253G>A, p.Ala1085Thr (NM_001406514.1); c.3232G>A, p.Ala1078Thr (NM_001406515.1, NM_001406516.1); and 19 more; short protein forms A1000T, A1012T, A1016T, A1018T, A1031T, A1035T, A1037T, A1048T.
Identifiers: ClinVar variation 1713381 (VCV001713381.5), dbSNP rs2547613211, ClinGen allele CA388028699.

ClinVar aggregate classification (germline): Uncertain significance (1 of 4 stars; one submission).

Conditions:
Wilson disease (WND). Also called: Wilson's disease. Identifiers: Orphanet 905, MedGen C0019202, MONDO:0010200, OMIM 277900. Disease mechanism: loss of function.

Submission:

Labcorp Genetics (formerly Invitae), Labcorp
Classification: Uncertain significance for Wilson disease. Last evaluated: 2022-08-22. Review status: criteria provided, single submitter. Criteria: Invitae Variant Classification Sherloc (09022015). Collection method: clinical testing. Allele origin: germline.
Comment: Algorithms developed to predict the effect of missense changes on protein structure and function are either unavailable or do not agree on the potential impact of this missense change (SIFT: "Deleterious"; PolyPhen-2: "Benign"; Align-GVGD: "Class C0"). In summary, the available evidence is currently insufficient to determine the role of this variant in disease. Therefore, it has been classified as a Variant of Uncertain Significance. This sequence change replaces alanine, which is neutral and non-polar, with threonine, which is neutral and polar, at codon 1096 of the ATP7B protein (p.Ala1096Thr). This variant is not present in population databases (gnomAD no frequency). This variant has not been reported in the literature in individuals affected with ATP7B-related conditions.